The following is an entry in ClinVar:

NM_015512.5(DNAH1):c.1034-2A>G

Gene: DNAH1 (dynein axonemal heavy chain 1; plus strand). Cytogenetic location: 3p21.1.
Variant type: single nucleotide variant.
Coding change: c.1034-2A>G on transcript NM_015512.5 (MANE Select); the canonical splice acceptor site of the intron before coding-DNA position 1034, A replaced by G.
Molecular consequence: splice acceptor variant.
Genome position (GRCh38, 1-based): chr3:52,332,140, A>G. VCF-style: chr3-52332140-A-G. GRCh37 (hg19) VCF-style: chr3-52366156-A-G.
Identifiers: ClinVar variation 3730920 (VCV003730920.4).

ClinVar aggregate classification (germline): Likely pathogenic. Review status: criteria provided, multiple submitters, no conflicts (2 of 4 stars). 2 submissions from 2 submitters: Likely pathogenic (2). Last evaluated 2025-06-18.

Conditions:
Spermatogenic failure 18. Identifiers: MedGen C4539783, MONDO:0054615, OMIM 617576.
Ciliary dyskinesia, primary, 37 (CILD37). Also called: CILIARY DYSKINESIA, PRIMARY, 37, WITH OR WITHOUT SITUS INVERSUS. Identifiers: MedGen C4539798, MONDO:0033204, OMIM 617577.

gnomAD v4.1: 3 of 1,551,856 alleles (0.00019%); highest among the groups gnomAD compares: Admixed American, 0.0039%; no homozygotes.

Submissions (2):

GeneDx
Classification: Likely pathogenic. Last evaluated: 2025-06-18. Review status: criteria provided, single submitter. Criteria: GeneDx Variant Classification Process June 2021. Collection method: clinical testing. Allele origin: germline.
Comment: Canonical splice site variant predicted to result in a null allele in a gene for which loss of function is a known mechanism of disease; Not observed at significant frequency in large population cohorts (gnomAD); Has not been previously published as pathogenic or benign to our knowledge

Labcorp Genetics (formerly Invitae), Labcorp
Classification: Likely pathogenic for Ciliary dyskinesia, primary, 37; Spermatogenic failure 18. Last evaluated: 2024-05-21. Review status: criteria provided, single submitter. Criteria: Invitae Variant Classification Sherloc (09022015). Collection method: clinical testing. Allele origin: germline.
Comment: This sequence change affects an acceptor splice site in intron 7 of the DNAH1 gene. It is expected to disrupt RNA splicing. Variants that disrupt the donor or acceptor splice site typically lead to a loss of protein function (PMID: 16199547), and loss-of-function variants in DNAH1 are known to be pathogenic (PMID: 27573432, 27798045). The frequency data for this variant in the population databases is considered unreliable, as metrics indicate poor data quality at this position in the gnomAD database. This variant has not been reported in the literature in individuals affected with DNAH1-related conditions. Algorithms developed to predict the effect of sequence changes on RNA splicing suggest that this variant may disrupt the consensus splice site. In summary, the currently available evidence indicates that the variant is pathogenic, but additional data are needed to prove that conclusively. Therefore, this variant has been classified as Likely Pathogenic.

Literature cited by the submitters: PubMed 16199547 (cited by Labcorp Genetics (formerly Invitae), Labcorp); PubMed 27573432 (cited by Labcorp Genetics (formerly Invitae), Labcorp); PubMed 27798045 (cited by Labcorp Genetics (formerly Invitae), Labcorp).